The following is an entry in ClinVar:

NM_032043.3(BRIP1):c.508-5T>C

Gene: BRIP1 (BRCA1 interacting DNA helicase 1; minus strand). Cytogenetic location: 17q23.2.
Variant type: single nucleotide variant.
Coding change: c.508-5T>C on transcript NM_032043.3 (MANE Select); 5 bases into the intron before coding-DNA position 508, T replaced by C.
Molecular consequence: intron variant.
Genome position (GRCh38, 1-based): chr17:61,847,225, A>G on the plus strand (T>C on the coding strand, the complement: BRIP1 is on the minus strand). VCF-style: chr17-61847225-A-G. GRCh37 (hg19) VCF-style: chr17-59924586-A-G.
Identifiers: ClinVar variation 3993131 (VCV003993131.1).

ClinVar aggregate classification (germline): Uncertain significance (1 of 4 stars; one submission).

Conditions:
Hereditary cancer-predisposing syndrome. Also called: Tumor predisposition; Hereditary neoplastic syndrome; Neoplastic Syndromes, Hereditary; Hereditary Cancer Syndrome. Identifiers: Orphanet 140162, MedGen C0027672, MeSH D009386, MONDO:0015356.

Submission:

Ambry Genetics
Classification: Uncertain significance for Hereditary cancer-predisposing syndrome. Last evaluated: 2025-04-07. Review status: criteria provided, single submitter. Criteria: Ambry Variant Classification Scheme 2023. Collection method: clinical testing. Allele origin: germline.
Comment: The c.508-5T>C intronic variant results from a T to C substitution 5 nucleotides upstream from coding exon 5 in the BRIP1 gene. This nucleotide position is well conserved in available vertebrate species. In silico splice site analysis predicts that this alteration will not have any significant effect on splicing. Based on the available evidence, the clinical significance of this variant remains unclear.